The following is an entry in ClinVar:

NM_017763.6(RNF43):c.42C>G (p.Pro14=)

Gene: RNF43 (ring finger protein 43; minus strand). Cytogenetic location: 17q22.
Variant type: single nucleotide variant.
Coding change: c.42C>G on transcript NM_017763.6 (MANE Select); coding-DNA position 42, C replaced by G.
Protein change: p.Pro14=; no amino-acid change (proline 14 retained).
Molecular consequence: synonymous variant.
Genome position (GRCh38, 1-based): chr17:58,415,536, G>C on the plus strand (C>G on the coding strand, the complement: RNF43 is on the minus strand). VCF-style: chr17-58415536-G-C. GRCh37 (hg19) VCF-style: chr17-56492897-G-C.
Other names: c.42C>G (NM_017763.4); c.42C>G, p.Pro14= (NM_001305544.3).
Identifiers: ClinVar variation 2182560 (VCV002182560.6), dbSNP rs752557511, ClinGen allele CA8673522.
Genomic context (GRCh38, chr17:58,415,536, plus strand): 5'-TGCTGCCAGTACCAGTCCTGTGCGTCCAAAGCCTGCCTGCAGGGTAGCCATCAGCAGCCA[G>C]GGCCAGAGGGCAGCCAGCTGCAGCTGGTGGCCACCACTCATGCTACCAGCTGCAGCAATG-3'
Protein context (NP_060233.3, residues 4-24): GHQLQLAALW[Pro14=]WLLMATLQAG

ClinVar aggregate classification (germline): Benign/Likely benign. Review status: criteria provided, multiple submitters, no conflicts (2 of 4 stars). 3 submissions from 3 submitters: Benign (1); Likely benign (2). Last evaluated 2026-06-29.

Conditions:
Sessile serrated polyposis cancer syndrome (SSPCS). Identifiers: Orphanet 157798, MedGen C4310714, MONDO:0014919, OMIM 617108.

Allele frequency attached by ClinVar (database versions not stated): ExAC 0.00006; gnomAD exomes 0.00002.
gnomAD v4.1: 10 of 1,611,060 alleles (0.00062%); highest among the groups gnomAD compares: East Asian, 0.0022%; no homozygotes.

Submissions (3):

Myriad Genetics, Inc.
Classification: Benign for Sessile serrated polyposis cancer syndrome. Last evaluated: 2026-06-29. Review status: criteria provided, single submitter. Criteria: Myriad Autosomal Dominant, Autosomal Recessive and X-Linked Classification Criteria (2023). Collection method: clinical testing. Allele origin: unknown.
Comment: This variant is considered benign. This variant is a silent/synonymous amino acid change and it is not expected to impact splicing.

Ambry Genetics
Classification: Likely benign. Last evaluated: 2025-07-13. Review status: criteria provided, single submitter. Criteria: Ambry Variant Classification Scheme 2023. Collection method: clinical testing. Allele origin: germline.

Labcorp Genetics (formerly Invitae), Labcorp
Classification: Likely benign. Last evaluated: 2022-03-28. Review status: criteria provided, single submitter. Criteria: Invitae Variant Classification Sherloc (09022015). Collection method: clinical testing. Allele origin: germline.